The following is an entry in ClinVar:

ClinVar aggregate classification (germline): Conflicting classifications of pathogenicity. Review status: criteria provided, conflicting classifications (1 of 4 stars). 2 submissions from 1 submitter: Uncertain significance (1); Likely benign (1). Last evaluated 2018-01-12.

Conditions:
Weill-Marchesani syndrome. Also called: WM Syndrome; Mesodermal dysmorphodystrophy congenital. Identifiers: Orphanet 3449, MedGen C0265313, MONDO:0018096.
Glaucoma 3, primary congenital, D. Identifiers: Orphanet 98976, MedGen C2751316, MONDO:0013122, OMIM 613086.

Allele frequency attached by ClinVar (database versions not stated): gnomAD 0.00042 and 0.00054; TOPMed 0.00074; 1000 Genomes Project 30x 0.00187; 1000 Genomes Project 0.00200; gnomAD exomes 0.00216.
gnomAD v4.1: 241 of 230,698 alleles (0.1%); highest among the groups gnomAD compares: East Asian, 1.3%; 3 homozygotes.

Submissions (2):

Illumina Laboratory Services, Illumina
Classification: Uncertain significance for Glaucoma 3, primary congenital, D. Last evaluated: 2018-01-12. Review status: criteria provided, single submitter. Criteria: ICSL Variant Classification Criteria 13 December 2019. Collection method: clinical testing. Allele origin: germline.

Illumina Laboratory Services, Illumina
Classification: Likely benign for Weill-Marchesani syndrome. Last evaluated: 2018-01-12. Review status: criteria provided, single submitter. Criteria: ICSL Variant Classification Criteria 13 December 2019. Collection method: clinical testing. Allele origin: germline.
Comment: This variant was observed in the ICSL laboratory as part of a predisposition screen in an ostensibly healthy population. It had not been previously curated by ICSL or reported in the Human Gene Mutation Database (HGMD: prior to June 1st, 2018), and was therefore a candidate for classification through an automated scoring system. Utilizing variant allele frequency, disease prevalence and penetrance estimates, and inheritance mode, an automated score was calculated to assess if this variant is too frequent to cause the disease. Based on the score and internal cut-off values, a variant classified as likely benign is not then subjected to further curation. The score for this variant resulted in a classification of likely benign for this disease.

NM_000428.3(LTBP2):c.*945T>C

Gene: LTBP2 (latent transforming growth factor beta binding protein 2; minus strand). Cytogenetic location: 14q24.3.
Variant type: single nucleotide variant.
Coding change: c.*945T>C on transcript NM_000428.3 (MANE Select); 945 bases downstream of the stop codon, T replaced by C.
Molecular consequence: 3 prime UTR variant.
Genome position (GRCh38, 1-based): chr14:74,499,939, A>G on the plus strand (T>C on the coding strand, the complement: LTBP2 is on the minus strand). VCF-style: chr14-74499939-A-G. GRCh37 (hg19) VCF-style: chr14-74966642-A-G.
Identifiers: ClinVar variation 884413 (VCV000884413.4), dbSNP rs374130664, ClinGen allele CA263576782.